The following is an entry in ClinVar:

ClinVar aggregate classification (germline): Uncertain significance (1 of 4 stars; one submission).

Submission:

CeGaT Center for Human Genetics Tuebingen
Classification: Uncertain significance. Last evaluated: 2023-03-01. Review status: criteria provided, single submitter. Criteria: CeGaT Center For Human Genetics Tuebingen Variant Classification Criteria Version 2. Collection method: clinical testing. Allele origin: germline. Affected: yes. Observed: 1 variant allele.
Comment: ANKRD11: PM2

NM_013275.6(ANKRD11):c.5147A>T (p.Glu1716Val)

Gene: ANKRD11 (ankyrin repeat domain 11; minus strand). Cytogenetic location: 16q24.3.
Variant type: single nucleotide variant.
Coding change: c.5147A>T on transcript NM_013275.6 (MANE Select); coding-DNA position 5147, A replaced by T.
Protein change: p.Glu1716Val; replaces glutamic acid 1716 with valine.
Molecular consequence: missense variant.
Genome position (GRCh38, 1-based): chr16:89,281,395, T>A on the plus strand (A>T on the coding strand, the complement: ANKRD11 is on the minus strand). VCF-style: chr16-89281395-T-A. GRCh37 (hg19) VCF-style: chr16-89347803-T-A.
Other names: c.5147A>T, p.Glu1716Val (NM_001256182.2, NM_001256183.2); short protein forms E1716V.
Identifiers: ClinVar variation 2647072 (VCV002647072.24), dbSNP rs2544229438, ClinGen allele CA397155440.